The following is an entry in ClinVar:

ClinVar aggregate classification (germline): Likely pathogenic (1 of 4 stars; one submission).

Conditions:
Dilated cardiomyopathy 1G (CMD1G). Identifiers: Orphanet 154, MedGen C1858763, MONDO:0011400, OMIM 604145.
Autosomal recessive limb-girdle muscular dystrophy type 2J (LGMDR10). Also called: Limb-girdle muscular dystrophy, type 2J; MUSCULAR DYSTROPHY, LIMB-GIRDLE, AUTOSOMAL RECESSIVE 10. Identifiers: Orphanet 140922, MedGen C1837342, MONDO:0012127, OMIM 608807.

Submission:

Labcorp Genetics (formerly Invitae), Labcorp
Classification: Likely pathogenic for Dilated cardiomyopathy 1G; Autosomal recessive limb-girdle muscular dystrophy type 2J. Last evaluated: 2024-12-17. Review status: criteria provided, single submitter. Criteria: Invitae Variant Classification Sherloc (09022015). Collection method: clinical testing. Allele origin: germline.
Comment: This sequence change creates a premature translational stop signal (p.Glu17311Lysfs*8) in the TTN gene. While this is not anticipated to result in nonsense mediated decay, it is expected to create a truncated TTN protein. This variant is not present in population databases (gnomAD no frequency). This variant has not been reported in the literature in individuals affected with TTN-related conditions. Algorithms developed to predict the effect of sequence changes on RNA splicing suggest that this variant may disrupt the consensus splice site. This variant is located in the A band of TTN (PMID: 25589632). Truncating variants in this region are significantly overrepresented in patients affected with dilated cardiomyopathy (PMID: 25589632). Truncating variants in this region have also been reported in individuals affected with autosomal recessive centronuclear myopathy (PMID: 23975875). In summary, the currently available evidence indicates that the variant is pathogenic, but additional data are needed to prove that conclusively. Therefore, this variant has been classified as Likely Pathogenic.

Literature cited by the submitters: PubMed 25589632; PubMed 23975875.

NM_001267550.2(TTN):c.51931del (p.Glu17311fs)

Genes: TTN-AS1 (TTN antisense RNA 1; plus strand), TTN (titin; minus strand). Cytogenetic location: 2q31.2.
Variant type: Deletion.
Coding change: c.51931del on transcript NM_001267550.2 (MANE Select); coding-DNA position 51931, one base deleted (G; older notation c.51931delG).
Protein change: p.Glu17311fs; shifts the reading frame from glutamic acid 17311.
Molecular consequence: frameshift variant.
Genome position (GRCh38, 1-based): chr2:178,609,379, C deleted on the plus strand (G on the coding strand, the reverse complement: TTN is on the minus strand). VCF-style (leftmost placement, unchanged base first): chr2-178609378-TC-T. GRCh37 (hg19) VCF-style: chr2-179474105-TC-T.
Other names: c.47008del, p.Glu15670fs (NM_001256850.1); c.24736del, p.Glu8246fs (NM_003319.4); c.44227del, p.Glu14743fs (NM_133378.4); c.25111del, p.Glu8371fs (NM_133432.3); c.25312del, p.Glu8438fs (NM_133437.4); short protein forms E14743fs, E15670fs, E17311fs, E8246fs, E8371fs, E8438fs.
Identifiers: ClinVar variation 3760028 (VCV003760028.2).